The following is an entry in ClinVar:

NM_006767.4(LZTR1):c.796A>G (p.Thr266Ala)

Gene: LZTR1 (leucine zipper like post translational regulator 1; plus strand). Cytogenetic location: 22q11.21.
Variant type: single nucleotide variant.
Coding change: c.796A>G on transcript NM_006767.4 (MANE Select); coding-DNA position 796, A replaced by G.
Protein change: p.Thr266Ala; replaces threonine 266 with alanine.
Molecular consequence: missense variant.
Genome position (GRCh38, 1-based): chr22:20,991,632, A>G. VCF-style: chr22-20991632-A-G. GRCh37 (hg19) VCF-style: chr22-21345921-A-G.
Other names: short protein forms T266A.
Identifiers: ClinVar variation 3373685 (VCV003373685.1).
Genomic context (GRCh38, chr22:20,991,632, plus strand): 5'-CCGAGGGTGAGCAGGAGCCCCTGTCCCAGCATTGATTCACTGTTGTGTACCCCCAGGTGG[A>G]CACGCATCCCAACTGAACACCTGCTCCGGGGCTCCCCACCACCCCCGCAGCGGCGCTACG-3'
Protein context (NP_006758.2, residues 256-276): FQFEFKDKTW[Thr266Ala]RIPTEHLLRG

ClinVar aggregate classification (germline): Uncertain significance (1 of 4 stars; one submission).

Submission:

GeneDx
Classification: Uncertain significance. Last evaluated: 2024-03-07. Review status: criteria provided, single submitter. Criteria: GeneDx Variant Classification Process June 2021. Collection method: clinical testing. Allele origin: germline. Affected: yes.
Comment: Not observed at significant frequency in large population cohorts (gnomAD); In silico analysis supports that this missense variant does not alter protein structure/function; Has not been previously published as pathogenic or benign to our knowledge